The following is an entry in ClinVar:

ClinVar aggregate classification (germline): Pathogenic (1 of 4 stars; one submission).

Conditions:
X-linked agammaglobulinemia with growth hormone deficiency (IGHD3). Also called: IGHD III; AGAMMAGLOBULINEMIA AND ISOLATED GROWTH HORMONE DEFICIENCY, X-LINKED; FLEISHER SYNDROME; HYPOGAMMAGLOBULINEMIA AND ISOLATED GROWTH HORMONE DEFICIENCY, X-LINKED; Isolated growth hormone deficiency type 3; Growth hormone deficiency with hypogammaglobulinemia. Identifiers: Orphanet 231692, Orphanet 631, MedGen C0472813, MONDO:0010615, OMIM 307200.

Submission:

Labcorp Genetics (formerly Invitae), Labcorp
Classification: Pathogenic for X-linked agammaglobulinemia with growth hormone deficiency. Last evaluated: 2022-12-06. Review status: criteria provided, single submitter. Criteria: Invitae Variant Classification Sherloc (09022015). Collection method: clinical testing. Allele origin: germline.
Comment: For these reasons, this variant has been classified as Pathogenic. A similar copy number variant has been observed in individuals with agammaglobulinemia (PMID: 19904586, 27593100). This variant is a gross deletion of the genomic region encompassing exon(s) 2-3 of the BTK gene, which includes the initiator codon. This deletion extends beyond the assayed region for this gene and therefore may encompass additional genes. It is expected to result in an absent or disrupted protein product. Loss-of-function variants in BTK are known to be pathogenic (PMID: 15661032, 16862044, 19419768).

Literature cited by the submitters: PubMed 19904586; PubMed 27593100; PubMed 15661032; PubMed 16862044; PubMed 19419768.

NC_000023.10:g.(?_100629415)_(100630272_?)del

Gene: BTK (Bruton tyrosine kinase; minus strand). Cytogenetic location: Xq22.1.
Variant type: Deletion.
Identifiers: ClinVar variation 1456998 (VCV001456998.7).